The following is an entry in ClinVar:

NM_000094.4(COL7A1):c.7983G>A (p.Met2661Ile)

Gene: COL7A1 (collagen type VII alpha 1 chain; minus strand). Cytogenetic location: 3p21.31.
Variant type: single nucleotide variant.
Coding change: c.7983G>A on transcript NM_000094.4 (MANE Select); coding-DNA position 7983, G replaced by A.
Protein change: p.Met2661Ile; replaces methionine 2661 with isoleucine.
Molecular consequence: missense variant.
Genome position (GRCh38, 1-based): chr3:48,567,710, C>T on the plus strand (G>A on the coding strand, the complement: COL7A1 is on the minus strand). VCF-style: chr3-48567710-C-T. GRCh37 (hg19) VCF-style: chr3-48605143-C-T.
Other names: short protein forms M2661I.
Identifiers: ClinVar variation 2060307 (VCV002060307.1), dbSNP rs1172416954, ClinGen allele CA352641215.
Genomic context (GRCh38, chr3:48,567,710, plus strand): 5'-GACATGAACTTGGCCCCCGTCCACCCGTGGCCCCCTCATTCTGAGCGTGCCCACACTCAC[C>T]ATCTCTCCTTTGTGTCCTGCCAGCCCGGGGCGGCCTGGGGGACCAGCTTCTCCCTGCAGG-3'
Protein context (NP_000085.1, residues 2651-2671): RPGLAGHKGE[Met2661Ile]GEPGVPGQSG

ClinVar aggregate classification (germline): Uncertain significance (1 of 4 stars; one submission).

Allele frequency attached by ClinVar (database versions not stated): TOPMed 0.00001; gnomAD exomes 0.00003.
gnomAD v4.1: 41 of 1,614,086 alleles (0.0025%); highest among the groups gnomAD compares: Non-Finnish European, 0.0035%; no homozygotes.

Submission:

Labcorp Genetics (formerly Invitae), Labcorp
Classification: Uncertain significance. Last evaluated: 2022-09-07. Review status: criteria provided, single submitter. Criteria: Invitae Variant Classification Sherloc (09022015). Collection method: clinical testing. Allele origin: germline.
Comment: This sequence change replaces methionine, which is neutral and non-polar, with isoleucine, which is neutral and non-polar, at codon 2661 of the COL7A1 protein (p.Met2661Ile). This variant also falls at the last nucleotide of exon 107, which is part of the consensus splice site for this exon. This variant is present in population databases (no rsID available, gnomAD 0.0009%). This variant has not been reported in the literature in individuals affected with COL7A1-related conditions. Advanced modeling of protein sequence and biophysical properties (such as structural, functional, and spatial information, amino acid conservation, physicochemical variation, residue mobility, and thermodynamic stability) performed at Invitae indicates that this missense variant is not expected to disrupt COL7A1 protein function. Variants that disrupt the consensus splice site are a relatively common cause of aberrant splicing (PMID: 17576681, 9536098). Algorithms developed to predict the effect of sequence changes on RNA splicing suggest that this variant may disrupt the consensus splice site. In summary, the available evidence is currently insufficient to determine the role of this variant in disease. Therefore, it has been classified as a Variant of Uncertain Significance.

Literature cited by the submitters: PubMed 17576681; PubMed 9536098.